The following is an entry in ClinVar:

ClinVar aggregate classification (germline): Uncertain significance. Review status: criteria provided, single submitter (1 of 4 stars). 2 submissions from 2 submitters: Uncertain significance (1). 1 of the submissions does not count toward it. Last evaluated 2025-06-17.

Conditions:
PCDHA9-related disorder. Also called: PCDHA9-related condition.

Allele frequency attached by ClinVar (database versions not stated): 1000 Genomes Project 30x 0.00999.
gnomAD v4.1: 3,747 of 1,588,346 alleles (0.24%); highest among the groups gnomAD compares: Middle Eastern, 0.85%; 451 homozygotes.

Submissions (2):

Ambry Genetics
Classification: Uncertain significance. Last evaluated: 2025-06-17. Review status: criteria provided, single submitter. Criteria: Ambry Variant Classification Scheme 2023. Collection method: clinical testing. Allele origin: germline.

PreventionGenetics, part of Exact Sciences
Classification: Likely benign for PCDHA9-related condition. Last evaluated: 2020-09-25. Review status: no assertion criteria provided. Collection method: clinical testing. Allele origin: germline. Not counted in ClinVar's aggregate classification.
Comment: This variant is classified as likely benign based on ACMG/AMP sequence variant interpretation guidelines (Richards et al. 2015 PMID: 25741868, with internal and published modifications).

NM_031857.2(PCDHA9):c.128C>A (p.Thr43Asn)

Genes: PCDHA1 (protocadherin alpha 1; plus strand), PCDHA2 (protocadherin alpha 2; plus strand), PCDHA3 (protocadherin alpha 3; plus strand), PCDHA4 (protocadherin alpha 4; plus strand), PCDHA5 (protocadherin alpha 5; plus strand) and 5 more. Cytogenetic location: 5q31.3.
Variant type: single nucleotide variant.
Coding change: c.128C>A on transcript NM_031857.2 (MANE Select); coding-DNA position 128, C replaced by A.
Protein change: p.Thr43Asn; replaces threonine 43 with asparagine.
Molecular consequence: missense variant. On other transcripts: intron variant (10).
Genome position (GRCh38, 1-based): chr5:140,848,623, C>A. VCF-style: chr5-140848623-C-A. GRCh37 (hg19) VCF-style: chr5-140228208-C-A.
Other names: c.1602+60731C>A (NM_031411.3); c.2388+51271C>A (NM_018905.3); c.2394+45032C>A (NM_018906.3); c.2385+39051C>A (NM_018907.4); c.2352+24496C>A (NM_018908.3); c.2394+18138C>A (NM_018909.4); c.1602+18930C>A (NM_031849.3); c.2355+11885C>A (NM_018910.3); and 3 more; short protein forms T43N.
Identifiers: ClinVar variation 2540877 (VCV002540877.5), dbSNP rs186780543, ClinGen allele CA3450142.